The following is an entry in ClinVar:

NM_170606.3(KMT2C):c.5365_5366delinsTT (p.Gly1789Phe)

Gene: KMT2C (lysine methyltransferase 2C; minus strand). Cytogenetic location: 7q36.1.
Variant type: Indel.
Coding change: c.5365_5366delinsTT on transcript NM_170606.3 (MANE Select); coding-DNA positions 5365 to 5366, GG replaced by TT.
Protein change: p.Gly1789Phe; replaces glycine 1789 with phenylalanine.
Molecular consequence: missense variant.
Genome position (GRCh38, 1-based): chr7:152,182,494-152,182,495, CC replaced by AA on the plus strand (GG replaced by TT on the coding strand, the reverse complement: KMT2C is on the minus strand). VCF-style: chr7-152182494-CC-AA. GRCh37 (hg19) VCF-style: chr7-151879579-CC-AA.
Other names: short protein forms G1789F.
Identifiers: ClinVar variation 2978298 (VCV002978298.3), dbSNP rs2487801089, ClinGen allele CA2740094957.

ClinVar aggregate classification (germline): Uncertain significance (1 of 4 stars; one submission).

Submission:

Labcorp Genetics (formerly Invitae), Labcorp
Classification: Uncertain significance. Last evaluated: 2022-11-21. Review status: criteria provided, single submitter. Criteria: Invitae Variant Classification Sherloc (09022015). Collection method: clinical testing. Allele origin: germline.
Comment: In summary, the available evidence is currently insufficient to determine the role of this variant in disease. Therefore, it has been classified as a Variant of Uncertain Significance. Algorithms developed to predict the effect of missense changes on protein structure and function are either unavailable or do not agree on the potential impact of this missense change (SIFT: "Not Available"; PolyPhen-2: "Probably Damaging"; Align-GVGD: "Not Available"). This variant has not been reported in the literature in individuals affected with KMT2C-related conditions. Information on the frequency of this variant in the gnomAD database is not available, as this variant may be reported differently in the database. This sequence change replaces glycine, which is neutral and non-polar, with phenylalanine, which is neutral and non-polar, at codon 1789 of the KMT2C protein (p.Gly1789Phe).